The following is an entry in ClinVar:

NM_001197104.2(KMT2A):c.11514-2A>C

Genes: KMT2A (lysine methyltransferase 2A; plus strand), TTC36-AS1 (TTC36 and KMT2A antisense RNA 1; minus strand). Cytogenetic location: 11q23.3.
Variant type: single nucleotide variant.
Coding change: c.11514-2A>C on transcript NM_001197104.2 (MANE Select); the canonical splice acceptor site of the intron before coding-DNA position 11514, A replaced by C.
Molecular consequence: splice acceptor variant. On other transcripts: non-coding transcript variant (5).
Genome position (GRCh38, 1-based): chr11:118,521,286, A>C. VCF-style: chr11-118521286-A-C. GRCh37 (hg19) VCF-style: chr11-118392001-A-C.
Other names: c.11604-2A>C (NM_001412597.1); c.11505-2A>C (NM_005933.4).
Identifiers: ClinVar variation 1687573 (VCV001687573.1), dbSNP rs2135292977, ClinGen allele CA382835382.

ClinVar aggregate classification (germline): Likely pathogenic (1 of 4 stars; one submission).

Conditions:
Wiedemann-Steiner syndrome (WDSTS). Also called: Growth deficiency and mental retardation with facial dysmorphism. Identifiers: Orphanet 319182, MedGen C1854630, MONDO:0011518, OMIM 605130.

Submission:

3billion
Classification: Likely pathogenic for Wiedemann-Steiner syndrome. Last evaluated: 2022-05-22. Review status: criteria provided, single submitter. Criteria: ACMG Guidelines, 2015. Collection method: clinical testing. Allele origin: germline. Affected: yes. Observed: 1 heterozygote.
Comment: The variant is not observed in the gnomAD v2.1.1 dataset. Canonical splice site: predicted to alter splicing and result in a loss or disruption of normal protein function. Multiple pathogenic loss-of-function variants are reported downstream of the variant. Therefore, this variant is classified as likely pathogenic according to the recommendation of ACMG/AMP guideline.